The following is an entry in ClinVar:

ClinVar aggregate classification (germline): Uncertain significance (1 of 4 stars; one submission).

Allele frequency attached by ClinVar (database versions not stated): gnomAD exomes below 0.00001; TOPMed below 0.00001; gnomAD 0.00001.
gnomAD v4.1: 2 of 1,613,800 alleles (0.00012%); highest among the groups gnomAD compares: African/African-American, 0.0013%; no homozygotes.

Submission:

GeneDx
Classification: Uncertain significance. Last evaluated: 2022-05-09. Review status: criteria provided, single submitter. Criteria: GeneDx Variant Classification Process June 2021. Collection method: clinical testing. Allele origin: germline. Affected: yes.
Comment: Not observed at significant frequency in large population cohorts (gnomAD); In silico analysis supports that this missense variant has a deleterious effect on protein structure/function; Has not been previously published as pathogenic or benign to our knowledge

NM_005573.4(LMNB1):c.1525C>A (p.Pro509Thr)

Gene: LMNB1 (lamin B1; plus strand). Cytogenetic location: 5q23.2.
Variant type: single nucleotide variant.
Coding change: c.1525C>A on transcript NM_005573.4 (MANE Select); coding-DNA position 1525, C replaced by A.
Protein change: p.Pro509Thr; replaces proline 509 with threonine.
Molecular consequence: missense variant. On other transcripts: non-coding transcript variant (1).
Genome position (GRCh38, 1-based): chr5:126,826,021, C>A. VCF-style: chr5-126826021-C-A. GRCh37 (hg19) VCF-style: chr5-126161713-C-A.
Other names: c.895C>A, p.Pro299Thr (NM_001198557.2); short protein forms P299T, P509T.
Identifiers: ClinVar variation 1723472 (VCV001723472.2), dbSNP rs1257840340, ClinGen allele CA360729603.
Genomic context (GRCh38, chr5:126,826,021, plus strand): 5'-GTACTGACATGCTTTGGTTTTTTACAGATTTGGGCTGCAAACGCTGGTGTCACAGCCAGC[C>A]CCCCAACTGACCTCATCTGGAAGAACCAGAACTCGTGGGGCACTGGCGAAGATGTGAAGG-3'
Protein context (NP_005564.1, residues 499-519): WAANAGVTAS[Pro509Thr]PTDLIWKNQN